The following is an entry in ClinVar:

ClinVar aggregate classification (germline): Uncertain significance (1 of 4 stars; one submission).

Submission:

Labcorp Genetics (formerly Invitae), Labcorp
Classification: Uncertain significance. Last evaluated: 2023-03-02. Review status: criteria provided, single submitter. Criteria: Invitae Variant Classification Sherloc (09022015). Collection method: clinical testing. Allele origin: germline.
Comment: In summary, the available evidence is currently insufficient to determine the role of this variant in disease. Therefore, it has been classified as a Variant of Uncertain Significance. Algorithms developed to predict the effect of sequence changes on RNA splicing suggest that this variant may disrupt the consensus splice site. This variant has not been reported in the literature in individuals affected with CTNNB1-related conditions. This variant is not present in population databases (gnomAD no frequency). This sequence change falls in intron 6 of the CTNNB1 gene. It does not directly change the encoded amino acid sequence of the CTNNB1 protein.

NM_001904.4(CTNNB1):c.937-15T>G

Gene: CTNNB1 (catenin beta 1; plus strand). Cytogenetic location: 3p22.1.
Variant type: single nucleotide variant.
Coding change: c.937-15T>G on transcript NM_001904.4 (MANE Select); 15 bases into the intron before coding-DNA position 937, T replaced by G.
Molecular consequence: intron variant.
Genome position (GRCh38, 1-based): chr3:41,227,193, T>G. VCF-style: chr3-41227193-T-G. GRCh37 (hg19) VCF-style: chr3-41268684-T-G.
Other names: c.916-15T>G (NM_001330729.2); c.937-15T>G (NM_001098209.2, NM_001098210.2).
Identifiers: ClinVar variation 2838013 (VCV002838013.3), dbSNP rs2125627463, ClinGen allele CA2702465475.
Genomic context (GRCh38, chr3:41,227,193, plus strand): 5'-GTTGGTAATATGGCTCTTCTCAGACATGTGATCAAGATTCCTTGACTAACAAGATATATA[T>G]ATATATCTTTCTAGCTCATCATACTGGCTAGTGGTGGACCCCAAGCTTTAGTAAATATAA-3'